The following is an entry in ClinVar:

ClinVar aggregate classification (germline): Pathogenic (1 of 4 stars; one submission).

Conditions:
Choroideremia. Also called: Chorioretinal scalloped atrophy. Identifiers: Orphanet 180, MedGen C0008525, MONDO:0010557, OMIM 303100, HP:0001139.

Submission:

Victorian Clinical Genetics Services, Murdoch Childrens Research Institute
Classification: Pathogenic for Choroideremia. Last evaluated: 2022-02-02. Review status: criteria provided, single submitter. Criteria: ACMG Guidelines, 2015. Collection method: clinical testing. Allele origin: germline. Inheritance: X-linked inheritance.
Comment: Based on the classification scheme VCGS_Germline_v1.3.3, this variant is classified as Pathogenic. Following criteria are met: 0102 - Loss of function is a known mechanism of disease in this gene and is associated with choroideremia, (MIM#303100). (I) 0109 - This gene is associated with X-linked disease. Males are predominantly affected, while females are usually unaffected some may display symptoms similar to affected males due to random X-inactivation (PMID: 29555028). (I) 0201 - Variant is predicted to cause nonsense-mediated decay (NMD) and loss of protein (premature termination codon is located at least 54 nucleotides upstream of the final exon-exon junction). (SP) 0253 - This variant is hemizygous. (I) 0301 - Variant is absent from gnomAD (both v2 and v3). (SP) 0701 - Other NMD-predicted variants comparable to the one identified in this case have very strong previous evidence for pathogenicity. These variants have been reported in patients with choroideremia (ClinVar, Decipher, PMID: 32364220). (SP) 0807 - This variant has no previous evidence of pathogenicity. (I) 0905 - No published segregation evidence has been identified for this variant. (I) 1007 - No published functional evidence has been identified for this variant. (I) Legend: (SP) - Supporting pathogenic, (I) - Information, (SB) - Supporting benign

Literature cited by the submitters: PubMed 29555028; PubMed 32364220.

NM_000390.4(CHM):c.999_1000insT (p.Gln334fs)

Gene: CHM (CHM Rab escort protein; minus strand). Cytogenetic location: Xq21.2.
Variant type: Insertion.
Coding change: c.999_1000insT on transcript NM_000390.4 (MANE Select); coding-DNA positions 999 to 1000, T inserted.
Protein change: p.Gln334fs; shifts the reading frame from glutamine 334.
Molecular consequence: frameshift variant.
Genome position: GRCh38 VCF-style: chrX-85956319-G-GA. GRCh37 (hg19) VCF-style: chrX-85211324-G-GA.
Other names: c.555_556insT, p.Gln186fs (NM_001320959.1, NM_001362517.1, NM_001362518.2 and 1 more transcripts); short protein forms Q186fs, Q334fs.
Identifiers: ClinVar variation 1806322 (VCV001806322.2), dbSNP rs2520252941, ClinGen allele CA1139532802.
Genomic context (GRCh38, chrX:85,956,319, plus strand): 5'-CATCTATGGTGCTGCTGGCTGTCTCTGATGTCATTGCAATTGAATGCATGACAATATATT[G>GA]GAGGTTGGGGGTTAATTTTTGAGTCTTTAAATATTCATAAAATGTGATCTCTTCATATCC-3'